The following is an entry in ClinVar:

ClinVar aggregate classification (germline): Benign/Likely benign. Review status: criteria provided, multiple submitters, no conflicts (2 of 4 stars). 4 submissions from 4 submitters: Benign (1); Likely benign (3). Last evaluated 2024-06-27.

Conditions:
Oligodontia-cancer predisposition syndrome. Also called: TOOTH AGENESIS-COLORECTAL CANCER SYNDROME. Identifiers: Orphanet 300576, MedGen C1837750, MONDO:0012075, OMIM 608615. Disease mechanism: loss of function.
Hereditary cancer-predisposing syndrome. Also called: Hereditary Cancer Syndrome; Neoplastic Syndromes, Hereditary; Tumor predisposition; Hereditary neoplastic syndrome. Identifiers: Orphanet 140162, MedGen C0027672, MeSH D009386, MONDO:0015356.

Submissions (4):

Myriad Genetics, Inc.
Classification: Benign for Oligodontia-cancer predisposition syndrome. Last evaluated: 2024-06-27. Review status: criteria provided, single submitter. Criteria: Myriad Autosomal Dominant, Autosomal Recessive and X-Linked Classification Criteria (2023). Collection method: clinical testing. Allele origin: unknown.
Comment: This variant is considered benign. This variant is a silent/synonymous amino acid change and it is not expected to impact splicing.

Labcorp Genetics (formerly Invitae), Labcorp
Classification: Likely benign for Oligodontia-cancer predisposition syndrome. Last evaluated: 2024-05-31. Review status: criteria provided, single submitter. Criteria: Invitae Variant Classification Sherloc (09022015). Collection method: clinical testing. Allele origin: germline.

Ambry Genetics
Classification: Likely benign for Hereditary cancer-predisposing syndrome. Last evaluated: 2019-08-21. Review status: criteria provided, single submitter. Criteria: Ambry Variant Classification Scheme 2023. Collection method: clinical testing. Allele origin: germline.

GeneDx
Classification: Likely benign. Last evaluated: 2017-10-16. Review status: criteria provided, single submitter. Criteria: GeneDx Variant Classification (06012015). Collection method: clinical testing. Allele origin: germline. Affected: yes.
Comment: This variant is considered likely benign or benign based on one or more of the following criteria: it is a conservative change, it occurs at a poorly conserved position in the protein, it is predicted to be benign by multiple in silico algorithms, and/or has population frequency not consistent with disease.

NM_004655.4(AXIN2):c.738C>A (p.Thr246=)

Gene: AXIN2 (axin 2; minus strand). Cytogenetic location: 17q24.1.
Variant type: single nucleotide variant.
Coding change: c.738C>A on transcript NM_004655.4 (MANE Select); coding-DNA position 738, C replaced by A.
Protein change: p.Thr246=; no amino-acid change (threonine 246 retained).
Molecular consequence: synonymous variant.
Genome position (GRCh38, 1-based): chr17:65,557,883, G>T on the plus strand (C>A on the coding strand, the complement: AXIN2 is on the minus strand). VCF-style: chr17-65557883-G-T. GRCh37 (hg19) VCF-style: chr17-63554001-G-T.
Other names: c.738C>A, p.Thr246= (NM_001363813.1); c.738C>A (LRG_296t1).
Identifiers: ClinVar variation 512736 (VCV000512736.14), dbSNP rs201191083, ClinGen allele CA501691340.